The following is an entry in ClinVar:

ClinVar aggregate classification (germline): Conflicting classifications of pathogenicity. Review status: criteria provided, conflicting classifications (1 of 4 stars). 8 submissions from 7 submitters: Uncertain significance (7); Likely benign (1). Last evaluated 2026-04-14.

Conditions:
Progressive familial intrahepatic cholestasis type 3. Also called: Low Gamma-GT Familial Intrahepatic Cholestasis; MDR3 DEFICIENCY. Identifiers: Orphanet 79305, MedGen C1865643, MONDO:0011214, OMIM 602347.
Cholestasis, intrahepatic, of pregnancy, 3. Identifiers: Orphanet 69665, MedGen C3554241, MONDO:0013995, OMIM 614972.
Low phospholipid associated cholelithiasis (GBD1). Also called: Gallbladder disease 1; Gallstone cholecystitis. Identifiers: Orphanet 69663, MedGen C2609268, MONDO:0010939, OMIM 600803.
ABCB4-related disorder. Also called: ABCB4-related disorders; ABCB4-related condition.
Familial intrahepatic cholestasis. Identifiers: Orphanet 284385, MedGen CN296401, MONDO:0017290.

Allele frequency attached by ClinVar (database versions not stated): ESP Exome Variant Server 0.00015; TOPMed 0.00035; gnomAD exomes 0.00036 and 0.00041; gnomAD 0.00040 and 0.00044; ExAC 0.00045.
gnomAD v4.1: 577 of 1,613,664 alleles (0.036%); highest among the groups gnomAD compares: Non-Finnish European, 0.042%; 2 homozygotes.

Submissions (8):

Genomenon, Inc
Classification: Uncertain significance for Familial intrahepatic cholestasis. Last evaluated: 2026-04-14. Review status: criteria provided, single submitter. Criteria: Genomenon Sequence Variant Interpretation Standards - Updated. Collection method: curation. Allele origin: germline. Affected: yes.
Comment: ABCB4 p.Glu1099Gly (c.3296A>G) is a missense variant that changes the amino acid at residue 1099 from Glutamic acid to Glycine. This variant has been observed in at least one proband with an ABCB4-related disorder (PMID:28733223). In conclusion, we classify ABCB4 p.Glu1099Gly (c.3296A>G) as a variant of uncertain significance.

PreventionGenetics, part of Exact Sciences
Classification: Uncertain significance for ABCB4-related condition. Last evaluated: 2026-01-28. Review status: criteria provided, single submitter. Criteria: ACMG Guidelines, 2015. Collection method: clinical testing. Allele origin: germline.
Comment: The ABCB4 c.3296A>G variant is predicted to result in the amino acid substitution p.Glu1099Gly. This variant has been reported in two individuals with low phospholipid associated choletithiasis and/or intrahepatic cholestasis of pregnancy; however, pathogenicity was not established (reported as NM_018849.2:c.3317A>G (p.E1106G), Table S3, Dröge et al 2017. PubMed ID: 28733223). This variant has also been reported in healthy controls (reported using previous gene symbol MDR3, Pauli-Magnus et al. 2004. PubMed ID: 14999697). This variant is reported in 0.13% of alleles in individuals of Ashkenazi Jewish descent in gnomAD, and is present in one homozygous individual of European (non-Finnish) descent. Although we suspect that this variant may be benign, at this time, the clinical significance of this variant is uncertain due to the absence of conclusive functional and genetic evidence.

Labcorp Genetics (formerly Invitae), Labcorp
Classification: Likely benign. Last evaluated: 2026-01-19. Review status: criteria provided, single submitter. Criteria: Invitae Variant Classification Sherloc (09022015). Collection method: clinical testing. Allele origin: germline.

Dasa
Classification: Uncertain significance. Last evaluated: 2025-07-20. Review status: criteria provided, single submitter. Criteria: DASA Assertion Criteria. Collection method: clinical testing. Allele origin: germline.
Comment: NM_000443.4(ABCB4):c.3296A>G (p.Glu1099Gly) is a missense variant that results in the substitution of glutamic acid with glycine. This variant is rare in population databases. The currently available literature and clinical evidence are not sufficient to establish a definitive association between this variant and the reported condition. Therefore, this variant is classified as a variant of uncertain significance.

Fulgent Genetics
Classification: Uncertain significance for Low phospholipid associated cholelithiasis; Progressive familial intrahepatic cholestasis type 3; Cholestasis, intrahepatic, of pregnancy, 3. Last evaluated: 2022-02-16. Review status: criteria provided, single submitter. Criteria: ACMG Guidelines, 2015. Collection method: clinical testing. Allele origin: unknown.

Eurofins Ntd Llc (ga)
Classification: Uncertain significance. Last evaluated: 2018-07-19. Review status: criteria provided, single submitter. Criteria: EGL ClinVar v180209 classification definitions. Collection method: clinical testing. Allele origin: germline. Observed: 2 variant alleles, 2 heterozygotes.

Illumina Laboratory Services, Illumina
Classification: Uncertain significance for Progressive familial intrahepatic cholestasis type 3. Last evaluated: 2017-04-27. Review status: criteria provided, single submitter. Criteria: ICSL Variant Classification Criteria 13 December 2019. Collection method: clinical testing. Allele origin: germline.

Illumina Laboratory Services, Illumina
Classification: Uncertain significance for Cholestasis, intrahepatic, of pregnancy, 3. Last evaluated: 2017-04-27. Review status: criteria provided, single submitter. Criteria: ICSL Variant Classification Criteria 13 December 2019. Collection method: clinical testing. Allele origin: germline.

Literature cited by the submitters: PubMed 28733223 (cited by Genomenon, Inc).

NM_000443.4(ABCB4):c.3296A>G (p.Glu1099Gly)

Gene: ABCB4 (ATP binding cassette subfamily B member 4; minus strand). Cytogenetic location: 7q21.12.
Variant type: single nucleotide variant.
Coding change: c.3296A>G on transcript NM_000443.4 (MANE Select); coding-DNA position 3296, A replaced by G.
Protein change: p.Glu1099Gly; replaces glutamic acid 1099 with glycine.
Molecular consequence: missense variant.
Genome position (GRCh38, 1-based): chr7:87,406,478, T>C on the plus strand (A>G on the coding strand, the complement: ABCB4 is on the minus strand). VCF-style: chr7-87406478-T-C. GRCh37 (hg19) VCF-style: chr7-87035794-T-C.
Other names: c.3317A>G, p.Glu1106Gly (NM_018849.3); c.3155A>G, p.Glu1052Gly (NM_018850.3); short protein forms E1099G, E1106G, E1052G.
Identifiers: ClinVar variation 598093 (VCV000598093.20), dbSNP rs139042803, ClinGen allele CA4326796.